The following is an entry in ClinVar:

ClinVar aggregate classification (germline): Uncertain significance (0 of 4 stars; one submission).

Conditions:
UCP3-related disorder. Also called: UCP3-related condition.

Submission:

PreventionGenetics, part of Exact Sciences
Classification: Uncertain significance for UCP3-related condition. Last evaluated: 2024-05-14. Review status: no assertion criteria provided. Collection method: clinical testing. Allele origin: germline.
Comment: The UCP3 c.466G>A variant is predicted to result in the amino acid substitution p.Asp156Asn. To our knowledge, this variant has not been reported in the literature. This variant is reported in 0.0033% of alleles in individuals of South Asian descent in gnomAD. At this time, the clinical significance of this variant is uncertain due to the absence of conclusive functional and genetic evidence.

NM_003356.4(UCP3):c.466G>A (p.Asp156Asn)

Gene: UCP3 (uncoupling protein 3; minus strand). Cytogenetic location: 11q13.4.
Variant type: single nucleotide variant.
Coding change: c.466G>A on transcript NM_003356.4 (MANE Select); coding-DNA position 466, G replaced by A.
Protein change: p.Asp156Asn; replaces aspartic acid 156 with asparagine.
Molecular consequence: missense variant.
Genome position (GRCh38, 1-based): chr11:74,005,805, C>T on the plus strand (G>A on the coding strand, the complement: UCP3 is on the minus strand). VCF-style: chr11-74005805-C-T. GRCh37 (hg19) VCF-style: chr11-73716850-C-T.
Other names: c.466G>A, p.Asp156Asn (NM_022803.3); short protein forms D156N.
Identifiers: ClinVar variation 3353624 (VCV003353624.1).
Genomic context (GRCh38, chr11:74,005,805, plus strand): 5'-TGACTCCTTCCTCCCTGGCGATGGTTCTGTAGGCGTCCATAGTCCCGCTGTATTTTCTGT[C>T]GCTCCTGGATGGCCCGAGGTGTATGCTGGCCTGAAATCGGACCTTCACCACATCTGTGGG-3'
Protein context (NP_003347.1, residues 146-166): ASIHLGPSRS[Asp156Asn]RKYSGTMDAY